The following is an entry in ClinVar:

ClinVar aggregate classification (germline): Uncertain significance (1 of 4 stars; one submission).

Allele frequency attached by ClinVar (database versions not stated): gnomAD 0.00001; TOPMed 0.00001; ExAC 0.00005; 1000 Genomes Project 0.00020; 1000 Genomes Project 30x 0.00031.
gnomAD v4.1: 7 of 1,592,854 alleles (0.00044%); highest among the groups gnomAD compares: African/African-American, 0.0027%; no homozygotes.

Submission:

Labcorp Genetics (formerly Invitae), Labcorp
Classification: Uncertain significance. Last evaluated: 2025-01-06. Review status: criteria provided, single submitter. Criteria: Invitae Variant Classification Sherloc (09022015). Collection method: clinical testing. Allele origin: germline.
Comment: This sequence change replaces arginine, which is basic and polar, with cysteine, which is neutral and slightly polar, at codon 2116 of the LAMA5 protein (p.Arg2116Cys). The frequency data for this variant in the population databases is considered unreliable, as metrics indicate poor data quality at this position in the gnomAD database. This variant has not been reported in the literature in individuals affected with LAMA5-related conditions. ClinVar contains an entry for this variant (Variation ID: 1961258). An algorithm developed to predict the effect of missense changes on protein structure and function (PolyPhen-2) suggests that this variant¬†is likely to be tolerated. Algorithms developed to predict the effect of sequence changes on RNA splicing suggest that this variant may create or strengthen a splice site. In summary, the available evidence is currently insufficient to determine the role of this variant in disease. Therefore, it has been classified as a Variant of Uncertain Significance.

NM_005560.6(LAMA5):c.6346C>T (p.Arg2116Cys)

Gene: LAMA5 (laminin subunit alpha 5; minus strand). Cytogenetic location: 20q13.33.
Variant type: single nucleotide variant.
Coding change: c.6346C>T on transcript NM_005560.6 (MANE Select); coding-DNA position 6346, C replaced by T.
Protein change: p.Arg2116Cys; replaces arginine 2116 with cysteine.
Molecular consequence: missense variant.
Genome position (GRCh38, 1-based): chr20:62,322,269, G>A on the plus strand (C>T on the coding strand, the complement: LAMA5 is on the minus strand). VCF-style: chr20-62322269-G-A. GRCh37 (hg19) VCF-style: chr20-60897325-G-A.
Other names: short protein forms R2116C.
Identifiers: ClinVar variation 1961258 (VCV001961258.4), dbSNP rs566603437, ClinGen allele CA9941805.